The following is an entry in ClinVar:

ClinVar aggregate classification (germline): Benign/Likely benign. Review status: criteria provided, multiple submitters, no conflicts (2 of 4 stars). 10 submissions from 10 submitters: Benign (4); Likely benign (5). 1 of the submissions does not count toward it. Last evaluated 2026-04-08.

Conditions:
ZNF469-related disorder. Also called: ZNF469-related condition.
Ehlers-Danlos syndrome (EDS). Identifiers: Orphanet 98249, MedGen C0013720, MONDO:0020066.
Brittle cornea syndrome 1 (BCS1). Also called: Corneal fragility keratoglobus, blue sclerae AND joint hypermobility; CORNEAL FRAGILITY, KERATOGLOBUS, BLUE SCLERAE, JOINT HYPEREXTENSIBILITY; DYSGENESIS MESODERMALIS CORNEAE ET SCLERAE; EDS6B; FRAGILITAS OCULI WITH JOINT HYPEREXTENSIBILITY. Identifiers: Orphanet 90354, MedGen C0268344, MONDO:0024543, OMIM 229200.
Cardiovascular phenotype. Identifiers: MedGen CN230736.

Allele frequency attached by ClinVar (database versions not stated): gnomAD 0.00431 and 0.00461; TOPMed 0.00455; ESP Exome Variant Server 0.00527; gnomAD exomes 0.00045 and 0.00077; ExAC 0.00155; 1000 Genomes Project 30x 0.00406; 1000 Genomes Project 0.00419.
gnomAD v4.1: 1,317 of 1,550,216 alleles (0.085%); highest among the groups gnomAD compares: African/African-American, 1.5%; 8 homozygotes.

Submissions (10):

Women's Health and Genetics/Laboratory Corporation of America, LabCorp
Classification: Likely benign. Last evaluated: 2026-04-08. Review status: criteria provided, single submitter. Criteria: LabCorp Variant Classification Summary - May 2015. Collection method: clinical testing. Allele origin: germline.
Comment: Variant summary: ZNF469 c.9125G>A (p.Arg3042His) results in a non-conservative amino acid change in the encoded protein sequence. Algorithms developed to predict the effect of missense changes on protein structure and function are either unavailable or do not agree on the potential impact of this missense change. The variant allele was found at a frequency of 0.00077 in 152734 control chromosomes, predominantly at a frequency of 0.012 within the African or African-American subpopulation in the gnomAD database. The observed variant frequency within African or African-American control individuals in the gnomAD database exceeds the estimated maximal expected allele frequency for disease-causing variants in ZNF469. To our knowledge, no occurrence of c.9125G>A in individuals affected with ZNF469-related conditions and no experimental evidence demonstrating its impact on protein function have been reported. ClinVar contains an entry for this variant (Variation ID: 286115). Based on the evidence outlined above, the variant was classified as likely benign.

Labcorp Genetics (formerly Invitae), Labcorp
Classification: Benign. Last evaluated: 2026-02-01. Review status: criteria provided, single submitter. Criteria: Invitae Variant Classification Sherloc (09022015). Collection method: clinical testing. Allele origin: germline.

Mayo Clinic Laboratories, Mayo Clinic
Classification: Likely benign. Last evaluated: 2025-10-09. Review status: criteria provided, single submitter. Criteria: ACMG Guidelines, 2015. Collection method: clinical testing. Allele origin: germline. Observed: 6 variant alleles.
Comment: BS1, BP4

Blueprint Genetics
Classification: Likely benign. Last evaluated: 2024-10-23. Review status: criteria provided, single submitter. Criteria: ACMG Guidelines, 2015. Collection method: clinical testing. Allele origin: germline.

Genome-Nilou Lab
Classification: Benign for Brittle cornea syndrome 1. Last evaluated: 2021-12-05. Review status: criteria provided, single submitter. Criteria: ACMG Guidelines, 2015. Collection method: clinical testing. Allele origin: germline. Affected: no.

Ambry Genetics
Classification: Benign for Cardiovascular phenotype. Last evaluated: 2019-04-29. Review status: criteria provided, single submitter. Criteria: Ambry Variant Classification Scheme 2023. Collection method: clinical testing. Allele origin: germline.

Genome Diagnostics Laboratory, The Hospital for Sick Children
Classification: Likely benign for Ehlers-Danlos syndrome. Last evaluated: 2018-11-01. Review status: criteria provided, single submitter. Criteria: ACMG Guidelines, 2015. Collection method: clinical testing. Allele origin: germline.

GeneDx
Classification: Likely benign. Last evaluated: 2017-09-27. Review status: criteria provided, single submitter. Criteria: GeneDx Variant Classification (06012015). Collection method: clinical testing. Allele origin: germline. Affected: yes.
Comment: This variant is considered likely benign or benign based on one or more of the following criteria: it is a conservative change, it occurs at a poorly conserved position in the protein, it is predicted to be benign by multiple in silico algorithms, and/or has population frequency not consistent with disease.

Eurofins Ntd Llc (ga)
Classification: Benign. Last evaluated: 2016-02-11. Review status: criteria provided, single submitter. Criteria: EGL Classification Definitions 2015. Collection method: clinical testing. Allele origin: germline. Observed: 1 variant allele, 1 heterozygote.

PreventionGenetics, part of Exact Sciences
Classification: Benign for ZNF469-related condition. Last evaluated: 2019-10-16. Review status: no assertion criteria provided. Collection method: clinical testing. Allele origin: germline. Not counted in ClinVar's aggregate classification.
Comment: This variant is classified as benign based on ACMG/AMP sequence variant interpretation guidelines (Richards et al. 2015 PMID: 25741868, with internal and published modifications).

NM_001367624.2(ZNF469):c.9125G>A (p.Arg3042His)

Gene: ZNF469 (zinc finger protein 469; plus strand). Cytogenetic location: 16q24.2.
Variant type: single nucleotide variant.
Coding change: c.9125G>A on transcript NM_001367624.2 (MANE Select); coding-DNA position 9125, G replaced by A.
Protein change: p.Arg3042His; replaces arginine 3042 with histidine.
Molecular consequence: missense variant.
Genome position (GRCh38, 1-based): chr16:88,436,595, G>A. VCF-style: chr16-88436595-G-A. GRCh37 (hg19) VCF-style: chr16-88503003-G-A.
Other names: NM_001127464.1:c.9041G>A; NM_001127464.2:c.9041G>A; p.Arg3042His; short protein forms R3042H.
Identifiers: ClinVar variation 286115 (VCV000286115.23), dbSNP rs150598363, ClinGen allele CA8225411.